The following is an entry in ClinVar:

NM_015378.4(VPS13D):c.7692A>G (p.Pro2564=)

Gene: VPS13D (vacuolar protein sorting 13 homolog D; plus strand). Cytogenetic location: 1p36.22.
Variant type: single nucleotide variant.
Coding change: c.7692A>G on transcript NM_015378.4 (MANE Select); coding-DNA position 7692, A replaced by G.
Protein change: p.Pro2564=; no amino-acid change (proline 2564 retained).
Molecular consequence: synonymous variant.
Genome position (GRCh38, 1-based): chr1:12,321,952, A>G. VCF-style: chr1-12321952-A-G. GRCh37 (hg19) VCF-style: chr1-12382009-A-G.
Other names: c.7692A>G, p.Pro2564= (NM_018156.4).
Identifiers: ClinVar variation 3052487 (VCV003052487.2), dbSNP rs777077320, ClinGen allele CA602899.

ClinVar aggregate classification (germline): Likely benign (0 of 4 stars; one submission).

Conditions:
VPS13D-related disorder. Also called: VPS13D-related condition.

Allele frequency attached by ClinVar (database versions not stated): gnomAD exomes below 0.00001; ExAC 0.00001.
gnomAD v4.1: 5 of 1,613,560 alleles (0.00031%); highest among the groups gnomAD compares: Admixed American, 0.0017%; no homozygotes.

Submission:

PreventionGenetics, part of Exact Sciences
Classification: Likely benign for VPS13D-related condition. Last evaluated: 2019-08-21. Review status: no assertion criteria provided. Collection method: clinical testing. Allele origin: germline.
Comment: This variant is classified as likely benign based on ACMG/AMP sequence variant interpretation guidelines (Richards et al. 2015 PMID: 25741868, with internal and published modifications).